The following is an entry in ClinVar:

ClinVar aggregate classification (germline): Uncertain significance (1 of 4 stars; one submission).

Conditions:
Pitt-Hopkins-like syndrome 2 (PTHSL2). Identifiers: Orphanet 221150, Orphanet 600663, MedGen C3280479, MONDO:0013690, OMIM 614325.

Submission:

Labcorp Genetics (formerly Invitae), Labcorp
Classification: Uncertain significance for Pitt-Hopkins-like syndrome 2. Last evaluated: 2022-08-15. Review status: criteria provided, single submitter. Criteria: Invitae Variant Classification Sherloc (09022015). Collection method: clinical testing. Allele origin: germline.
Comment: This sequence change replaces phenylalanine, which is neutral and non-polar, with leucine, which is neutral and non-polar, at codon 78 of the NRXN1 protein (p.Phe78Leu). In summary, the available evidence is currently insufficient to determine the role of this variant in disease. Therefore, it has been classified as a Variant of Uncertain Significance. Algorithms developed to predict the effect of missense changes on protein structure and function are either unavailable or do not agree on the potential impact of this missense change (SIFT: "Deleterious"; PolyPhen-2: "Probably Damaging"; Align-GVGD: "Class C0"). ClinVar contains an entry for this variant (Variation ID: 1023486). This variant has not been reported in the literature in individuals affected with NRXN1-related conditions. This variant is not present in population databases (gnomAD no frequency).

NM_001330078.2(NRXN1):c.232T>C (p.Phe78Leu)

Gene: NRXN1 (neurexin 1; minus strand). Cytogenetic location: 2p16.3.
Variant type: single nucleotide variant.
Coding change: c.232T>C on transcript NM_001330078.2 (MANE Select); coding-DNA position 232, T replaced by C.
Protein change: p.Phe78Leu; replaces phenylalanine 78 with leucine.
Molecular consequence: missense variant.
Genome position (GRCh38, 1-based): chr2:51,028,042, A>G on the plus strand (T>C on the coding strand, the complement: NRXN1 is on the minus strand). VCF-style: chr2-51028042-A-G. GRCh37 (hg19) VCF-style: chr2-51255180-A-G.
Other names: c.232T>C, p.Phe78Leu (NM_001135659.3, NM_001330077.2, NM_001330079.2 and 15 more transcripts); short protein forms F78L.
Identifiers: ClinVar variation 1023486 (VCV001023486.8), dbSNP rs1670873332, ClinGen allele CA346824412.